The following is an entry in ClinVar:

NM_000199.5(SGSH):c.548G>A (p.Cys183Tyr)

Gene: SGSH (N-sulfoglucosamine sulfohydrolase; minus strand). Cytogenetic location: 17q25.3.
Variant type: single nucleotide variant.
Coding change: c.548G>A on transcript NM_000199.5 (MANE Select); coding-DNA position 548, G replaced by A.
Protein change: p.Cys183Tyr; replaces cysteine 183 with tyrosine.
Molecular consequence: missense variant. On other transcripts: non-coding transcript variant (1).
Genome position (GRCh38, 1-based): chr17:80,214,287, C>T on the plus strand (G>A on the coding strand, the complement: SGSH is on the minus strand). VCF-style: chr17-80214287-C-T. GRCh37 (hg19) VCF-style: chr17-78188086-C-T.
Other names: c.548G>A, p.Cys183Tyr (NM_001352921.3, NM_001352922.2); short protein forms C183Y.
Identifiers: ClinVar variation 642081 (VCV000642081.18), dbSNP rs1329133410, ClinGen allele CA401362171.

ClinVar aggregate classification (germline): Conflicting classifications of pathogenicity. Review status: criteria provided, conflicting classifications (1 of 4 stars). 5 submissions from 5 submitters: Likely pathogenic (3); Uncertain significance (1). 1 of the submissions does not count toward it. Last evaluated 2026-01-28.

Conditions:
Mucopolysaccharidosis, MPS-III-A (MPS3A). Also called: Mucopolysaccharidosis, type IIIA; MPS IIIA (Sanfilippo Syndrome Type A); MPS III A; SANFILIPPO SYNDROME A; SULFAMIDASE DEFICIENCY; Mucopolysaccharidosis type IIIA (Sanfilippo A). Identifiers: Orphanet 581, Orphanet 79269, MedGen C0086647, MONDO:0009655, OMIM 252900.
Intellectual disability. Also called: Intellectual functioning disability; intellectual disabilities; Intellectual developmental disorder. Identifiers: MedGen C3714756, MeSH D008607, MONDO:0001071, HP:0001249.

Allele frequency attached by ClinVar (database versions not stated): gnomAD exomes 0.00001 and 0.00002; gnomAD 0.00001.
gnomAD v4.1: 24 of 1,613,130 alleles (0.0015%); highest among the groups gnomAD compares: Non-Finnish European, 0.0019%; no homozygotes.

Submissions (5):

Genetics Laboratory, Great Ormond Street Hospital NHS Foundation Trust, North Thames Genomic Laboratory Hub
Classification: Likely pathogenic for Mucopolysaccharidosis type IIIA. Last evaluated: 2026-01-28. Review status: criteria provided, single submitter. Criteria: ACGS Best Practice Guidelines for Variant Classification in Rare Disease 2024 v1.2. Collection method: clinical testing. Allele origin: germline. Affected: yes.
Comment: PM2_moderate, PP3_supporting, PM3_moderate, PP4_moderate

Labcorp Genetics (formerly Invitae), Labcorp
Classification: Likely pathogenic for Mucopolysaccharidosis, MPS-III-A. Last evaluated: 2025-03-17. Review status: criteria provided, single submitter. Criteria: Invitae Variant Classification Sherloc (09022015). Collection method: clinical testing. Allele origin: germline.
Comment: This sequence change replaces cysteine, which is neutral and slightly polar, with tyrosine, which is neutral and polar, at codon 183 of the SGSH protein (p.Cys183Tyr). This variant is present in population databases (no rsID available, gnomAD 0.002%). This missense change has been observed in individual(s) with mucopolysaccharidosis type III (internal data). In at least one individual the data is consistent with being in trans (on the opposite chromosome) from a pathogenic variant. ClinVar contains an entry for this variant (Variation ID: 642081). Invitae Evidence Modeling of protein sequence and biophysical properties (such as structural, functional, and spatial information, amino acid conservation, physicochemical variation, residue mobility, and thermodynamic stability) indicates that this missense variant is expected to disrupt SGSH protein function with a positive predictive value of 95%. In summary, the currently available evidence indicates that the variant is pathogenic, but additional data are needed to prove that conclusively. Therefore, this variant has been classified as Likely Pathogenic.

Genome-Nilou Lab
Classification: Uncertain significance for Mucopolysaccharidosis, MPS-III-A. Last evaluated: 2021-11-07. Review status: criteria provided, single submitter. Criteria: ACMG Guidelines, 2015. Collection method: clinical testing. Allele origin: germline. Affected: no.

Cambridge Genomics Laboratory, East Genomic Laboratory Hub, NHS Genomic Medicine Service
Classification: Likely pathogenic for Intellectual disability. Last evaluated: 2019-05-16. Review status: criteria provided, single submitter. Criteria: ACGS Best Practice Guidelines for Variant Classification in Rare Disease 2020. Collection method: clinical testing. Allele origin: germline. Affected: yes. Observed: 1 variant allele.

Natera, Inc.
Classification: Uncertain significance for Mucopolysaccharidosis type IIIA. Last evaluated: 2021-01-29. Review status: no assertion criteria provided. Collection method: clinical testing. Allele origin: germline. Not counted in ClinVar's aggregate classification.